The following is an entry in ClinVar:

NM_014855.3(AP5Z1):c.1015dup (p.Asp339fs)

Gene: AP5Z1 (adaptor related protein complex 5 subunit zeta 1; plus strand). Cytogenetic location: 7p22.1.
Variant type: Duplication.
Coding change: c.1015dup on transcript NM_014855.3 (MANE Select); coding-DNA position 1015, one base duplicated (G; older notation c.1015dupG).
Protein change: p.Asp339fs; shifts the reading frame from aspartic acid 339.
Molecular consequence: frameshift variant. On other transcripts: non-coding transcript variant (1).
Genome position (GRCh38, 1-based): chr7:4,785,567, G duplicated; the last of 2 consecutive G bases (chr7:4,785,566-4,785,567); duplicating either gives the same sequence. VCF-style (leftmost placement, unchanged base first): chr7-4785565-A-AG. GRCh37 (hg19) VCF-style: chr7-4825196-A-AG.
Other names: c.1015dup, p.Asp339fs (LRG_1247t1); c.547dup, p.Asp183fs (NM_001364858.1); short protein forms D339fs, D183fs.
Identifiers: ClinVar variation 632069 (VCV000632069.5), dbSNP rs1562408333, ClinGen allele CA913190059.

ClinVar aggregate classification (germline): Likely pathogenic (1 of 4 stars; one submission).

Submission:

Athena Diagnostics
Classification: Likely pathogenic. Last evaluated: 2021-06-15. Review status: criteria provided, single submitter. Criteria: Athena Diagnostics Criteria. Collection method: clinical testing. Allele origin: unknown.
Comment: This variant is expected to result in the loss of a functional protein. This variant has not been reported in large, multi-ethnic general populations.